The following is an entry in ClinVar:

ClinVar aggregate classification (germline): Benign (1 of 4 stars; one submission).

Conditions:
Leigh syndrome (NULS). Also called: Leigh's necrotizing encephalopathy; Leigh's disease; Leigh Syndrome (mtDNA deletion); Leigh Disease; Subacute necrotizing encephalopathy; Necrotizing encephalopathy infantile subacute of Leigh. Identifiers: Orphanet 506, MedGen C2931891, MONDO:0009723, OMIM 256000.

Submission:

Wong Mito Lab, Molecular and Human Genetics, Baylor College of Medicine
Classification: Benign for Leigh syndrome. Last evaluated: 2019-10-17. Review status: criteria provided, single submitter. Criteria: Modified ACMG Guidelines (Unpublished). Collection method: clinical testing. Allele origin: germline.
Comment: The NC_012920.1:m.10704G>A (YP_003024034.1:p.Val79Ile) variant in MTND4L gene is interpretated to be a Benign variant based on the modified ACMG guidelines (unpublished). This variant meets the following evidence codes: BS1, BS4, BP4

NC_012920.1(MT-ND4L):m.10704G>A

Gene: MT-ND4L (mitochondrially encoded NADH dehydrogenase 4L; plus strand).
Variant type: single nucleotide variant.
Genome position: chrM-10704-G-A.
Identifiers: ClinVar variation 693312 (VCV000693312.1), dbSNP rs28437034, ClinGen allele CA337098970.
Genomic context (GRCh38, chrMT:10,704, plus strand): 5'-GTGCCTATTGCCATACTAGTCTTTGCCGCCTGCGAAGCAGCGGTGGGCCTAGCCCTACTA[G>A]TCTCAATCTCCAACACATATGGCCTAGACTACGTACATAACCTAAACCTACTCCAATGCT-3'